The following is an entry in ClinVar:

ClinVar aggregate classification (germline): Benign. Review status: criteria provided, multiple submitters, no conflicts (2 of 4 stars). 3 submissions from 3 submitters: Benign (2). 1 of the submissions does not count toward it. Last evaluated 2018-06-26.

Allele frequency attached by ClinVar (database versions not stated): gnomAD 0.18721 and 0.17880; ESP Exome Variant Server 0.18506; TOPMed 0.18790; 1000 Genomes Project 0.17891; 1000 Genomes Project 30x 0.18598.
gnomAD v4.1: 143,198 of 1,581,324 alleles (9.1%); highest among the groups gnomAD compares: African/African-American, 45%; 12,031 homozygotes.

Submissions (3):

GeneDx
Classification: Benign. Last evaluated: 2018-06-26. Review status: criteria provided, single submitter. Criteria: GeneDx Variant Classification Process June 2021. Collection method: clinical testing. Allele origin: germline. Affected: yes.

Breakthrough Genomics
Classification: Benign. Review status: criteria provided, single submitter. Criteria: ACMG Guidelines, 2015. Collection method: not provided. Allele origin: germline. Inheritance: Autosomal recessive inheritance. Affected: yes.

Genetic Services Laboratory, University of Chicago
Classification: Likely benign. Review status: no assertion criteria provided. Collection method: clinical testing. Allele origin: germline. Inheritance: Autosomal recessive inheritance. Not counted in ClinVar's aggregate classification.
Comment: Likely benign based on allele frequency in 1000 Genomes Project or ESP global frequency and its presence in a patient with a rare or unrelated disease phenotype. NOT Sanger confirmed

NM_006031.6(PCNT):c.5994+48T>G

Gene: PCNT (pericentrin; plus strand). Cytogenetic location: 21q22.3.
Variant type: single nucleotide variant.
Coding change: c.5994+48T>G on transcript NM_006031.6 (MANE Select); 48 bases into the intron after coding-DNA position 5994, T replaced by G.
Molecular consequence: intron variant.
Genome position (GRCh38, 1-based): chr21:46,412,115, T>G. VCF-style: chr21-46412115-T-G. GRCh37 (hg19) VCF-style: chr21-47832029-T-G.
Other names: c.5640+48T>G (NM_001315529.2).
Identifiers: ClinVar variation 159628 (VCV000159628.9), dbSNP rs73379348, ClinGen allele CA173037.